The following is an entry in ClinVar:

NM_016203.4(PRKAG2):c.370A>C (p.Ser124Arg)

Gene: PRKAG2 (protein kinase AMP-activated non-catalytic subunit gamma 2; minus strand). Cytogenetic location: 7q36.1.
Variant type: single nucleotide variant.
Coding change: c.370A>C on transcript NM_016203.4 (MANE Select); coding-DNA position 370, A replaced by C.
Protein change: p.Ser124Arg; replaces serine 124 with arginine.
Molecular consequence: missense variant. On other transcripts: intron variant (1).
Genome position (GRCh38, 1-based): chr7:151,781,248, T>G on the plus strand (A>C on the coding strand, the complement: PRKAG2 is on the minus strand). VCF-style: chr7-151781248-T-G. GRCh37 (hg19) VCF-style: chr7-151478334-T-G.
Other names: c.238A>C, p.Ser80Arg (NM_001040633.2, NM_001407024.1, NM_001407026.1 and 2 more transcripts); c.370A>C, p.Ser124Arg (NM_001407021.1, NM_001407022.1, NM_001407023.1 and 2 more transcripts); c.148+33168A>C (NM_001407032.1); short protein forms S124R, S80R.
Identifiers: ClinVar variation 3073203 (VCV003073203.1), dbSNP rs2537921903, ClinGen allele CA370069542.

ClinVar aggregate classification (germline): Uncertain significance (1 of 4 stars; one submission).

Conditions:
Hypertrophic cardiomyopathy. Also called: HYPERTROPHIC MYOCARDIOPATHY. Identifiers: Orphanet 217569, MedGen C0007194, MeSH D002312, MONDO:0005045, HP:0001639.

Submission:

All of Us Research Program, National Institutes of Health
Classification: Uncertain significance for Hypertrophic cardiomyopathy. Last evaluated: 2023-08-28. Review status: criteria provided, single submitter. Criteria: ACMG Guidelines, 2015. Collection method: clinical testing. Allele origin: germline. Inheritance: Autosomal dominant inheritance. Observed: 1 variant allele, 1 heterozygote.
Comment: This missense variant replaces serine with arginine at codon 124 of the PRKAG2 protein. Computational prediction is inconclusive regarding the impact of this variant on protein structure and function (internally defined REVEL score threshold 0.5 < inconclusive < 0.7, PMID: 27666373). To our knowledge, functional studies have not been reported for this variant. This variant has not been reported in individuals affected with PRKAG2-related disorders in the literature. This variant has not been identified in the general population by the Genome Aggregation Database (gnomAD). The available evidence is insufficient to determine the role of this variant in disease conclusively. Therefore, this variant is classified as a Variant of Uncertain Significance.

This study involves interpretation of variants in research participants for the purpose of population health screening. Participant phenotype was not available at the time of variant classification. Additional details can be found in publication PMID: 35346344, PMCID: PMC8962531